The following is an entry in ClinVar:

NM_001267550.2(TTN):c.47797A>T (p.Arg15933Ter)

Genes: TTN-AS1 (TTN antisense RNA 1; plus strand), TTN (titin; minus strand). Cytogenetic location: 2q31.2.
Variant type: single nucleotide variant.
Coding change: c.47797A>T on transcript NM_001267550.2 (MANE Select); coding-DNA position 47797, A replaced by T.
Protein change: p.Arg15933Ter; replaces arginine 15933 with a stop codon.
Molecular consequence: nonsense.
Genome position (GRCh38, 1-based): chr2:178,617,198, T>A on the plus strand (A>T on the coding strand, the complement: TTN is on the minus strand). VCF-style: chr2-178617198-T-A. GRCh37 (hg19) VCF-style: chr2-179481925-T-A.
Other names: c.42874A>T, p.Arg14292Ter (NM_001256850.1); c.20602A>T, p.Arg6868Ter (NM_003319.4); c.40093A>T, p.Arg13365Ter (NM_133378.4); c.20977A>T, p.Arg6993Ter (NM_133432.3); c.21178A>T, p.Arg7060Ter (NM_133437.4); short protein forms R13365*, R14292*, R15933*, R6868*, R6993*, R7060*.
Identifiers: ClinVar variation 1068107 (VCV001068107.11), dbSNP rs2057499255, ClinGen allele CA349613288.
Genomic context (GRCh38, chr2:178,617,198, plus strand): 5'-TGAGAGGACCAAGAATTTCAGATGGATCTGAAACACCAGCTTTATTTTCTGCAGATACTC[T>A]ATATAAATATTTATTTCCTTTTTCCAATCCGGTAACCTACGATTATGAATTAATATTTGT-3'

ClinVar aggregate classification (germline): Pathogenic/Likely pathogenic. Review status: criteria provided, multiple submitters, no conflicts (2 of 4 stars). 2 submissions from 2 submitters: Pathogenic (1); Likely pathogenic (1). Last evaluated 2025-11-12.

Conditions:
Cardiovascular phenotype. Identifiers: MedGen CN230736.
Dilated cardiomyopathy 1G (CMD1G). Identifiers: Orphanet 154, MedGen C1858763, MONDO:0011400, OMIM 604145.
Autosomal recessive limb-girdle muscular dystrophy type 2J (LGMDR10). Also called: Limb-girdle muscular dystrophy, type 2J; MUSCULAR DYSTROPHY, LIMB-GIRDLE, AUTOSOMAL RECESSIVE 10. Identifiers: Orphanet 140922, MedGen C1837342, MONDO:0012127, OMIM 608807.

Submissions (2):

Labcorp Genetics (formerly Invitae), Labcorp
Classification: Pathogenic for Dilated cardiomyopathy 1G; Autosomal recessive limb-girdle muscular dystrophy type 2J. Last evaluated: 2025-11-12. Review status: criteria provided, single submitter. Criteria: Invitae Variant Classification Sherloc (09022015). Collection method: clinical testing. Allele origin: germline.
Comment: This sequence change creates a premature translational stop signal (p.Arg15933*) in the TTN gene. While this is not anticipated to result in nonsense mediated decay, it is expected to create a truncated TTN protein. This variant is not present in population databases (gnomAD no frequency). This premature translational stop signal has been observed in individuals with dilated cardiomyopathy (internal data). ClinVar contains an entry for this variant (Variation ID: 1068107). This variant is located in the A band of TTN (PMID: 25589632). Truncating variants in this region are significantly overrepresented in patients affected with dilated cardiomyopathy (PMID: 25589632). Truncating variants in this region have also been reported in individuals affected with autosomal recessive centronuclear myopathy (PMID: 23975875). For these reasons, this variant has been classified as Pathogenic.

Ambry Genetics
Classification: Likely pathogenic for Cardiovascular phenotype. Last evaluated: 2025-05-05. Review status: criteria provided, single submitter. Criteria: Ambry Variant Classification Scheme 2023. Collection method: clinical testing. Allele origin: germline.
Comment: The p.R6868* variant (also known as c.20602A>T), located in coding exon 82 of the TTN gene, results from an A to T substitution at nucleotide position 20602. This changes the amino acid from an arginine to a stop codon within coding exon 82. This exon is located in the A-band region of the N2-B isoform of the titin protein and is constitutively expressed in TTN transcripts (percent spliced in or PSI 100%). This variant is considered to be rare based on population cohorts in the Genome Aggregation Database (gnomAD). This alteration is expected to result in loss of function by premature protein truncation or nonsense-mediated mRNA decay. While truncating variants in TTN are present in 1-3% of the general population, truncating variants in the A-band are the most common cause of dilated cardiomyopathy (DCM) (Herman DS et al. N. Engl. J. Med., 2012 Feb;366:619-28; Roberts AM et al. Sci Transl Med, 2015 Jan;7:270ra6). TTN truncating variants encoded in constitutive exons (PSI >90%) have been found to be significantly associated with DCM regardless of their position in titin (Schafer S et al. Nat. Genet., 2017 01;49:46-53). Based on the majority of available evidence to date, this variant is likely to be pathogenic.

Literature cited by the submitters: PubMed 25589632 (cited by Labcorp Genetics (formerly Invitae), Labcorp); PubMed 23975875 (cited by Labcorp Genetics (formerly Invitae), Labcorp).